The following is an entry in ClinVar:

NM_183357.3(ADCY5):c.19G>T (p.Val7Leu)

Gene: ADCY5 (adenylate cyclase 5; minus strand). Cytogenetic location: 3q21.1.
Variant type: single nucleotide variant.
Coding change: c.19G>T on transcript NM_183357.3 (MANE Select); coding-DNA position 19, G replaced by T.
Protein change: p.Val7Leu; replaces valine 7 with leucine.
Molecular consequence: missense variant.
Genome position (GRCh38, 1-based): chr3:123,448,527, C>A on the plus strand (G>T on the coding strand, the complement: ADCY5 is on the minus strand). VCF-style: chr3-123448527-C-A. GRCh37 (hg19) VCF-style: chr3-123167374-C-A.
Other names: c.19G>T, p.Val7Leu (NM_001378259.1); short protein forms V7L.
Identifiers: ClinVar variation 2576815 (VCV002576815.2), dbSNP rs1945873464, ClinGen allele CA354359086.
Genomic context (GRCh38, chr3:123,448,527, plus strand): 5'-CGGGGCCTCCCCGGGGCGCCGGCGCCGCAGTCTTCTGCGCCGCGTAGCCCGGGGGGCTCA[C>A]GCTTTTGGAGCCGGACATCCCCCCCTCGGCCTCGTCGTCTCCTTCCTCCTCCCCCGGAAG-3'
Protein context (NP_899200.1, residues 1-17): MSGSKS[Val7Leu]SPPGYAAQKT

ClinVar aggregate classification (germline): Uncertain significance. Review status: criteria provided, multiple submitters, no conflicts (2 of 4 stars). 2 submissions from 2 submitters: Uncertain significance (2). Last evaluated 2023-02-15.

Conditions:
Dyskinesia with orofacial involvement, autosomal dominant (DSKOD). Also called: Familial Dyskinesia with Facial Myokymia (FDFM); Familial dyskinesia and facial myokymia; Dyskinesia, familial, with facial myokymia. Identifiers: Orphanet 324588, MedGen C1847627, MONDO:0800028, OMIM 606703.
Dyskinesia with orofacial involvement, autosomal recessive. Identifiers: MedGen C5562036, MONDO:0030625, OMIM 619647.
Neurodevelopmental disorder with hyperkinetic movements and dyskinesia. Identifiers: MedGen C5562038, MONDO:0859211, OMIM 619651.

gnomAD v4.1: 1 of 1,264,738 alleles (0.000079%); highest among the groups gnomAD compares: South Asian, 0.0029%; no homozygotes.

Submissions (2):

GeneDx
Classification: Uncertain significance. Last evaluated: 2023-02-15. Review status: criteria provided, single submitter. Criteria: GeneDx Variant Classification Process June 2021. Collection method: clinical testing. Allele origin: germline. Affected: yes.
Comment: Not observed at significant frequency in large population cohorts (gnomAD); In silico analysis supports that this missense variant does not alter protein structure/function; Has not been previously published as pathogenic or benign to our knowledge; This variant is associated with the following publications: (PMID: 33619380)

Department of Pathology and Laboratory Medicine, Sinai Health System
Classification: Uncertain significance for Dyskinesia with orofacial involvement, autosomal dominant; Dyskinesia with orofacial involvement, autosomal recessive; Neurodevelopmental disorder with hyperkinetic movements and dyskinesia. Last evaluated: 2020-07-17. Review status: criteria provided, single submitter. Criteria: ACMG Guidelines, 2015. Collection method: research. Allele origin: germline.